The following is an entry in ClinVar:

NM_000303.3(PMM2):c.110A>T (p.Gln37Leu)

Gene: PMM2 (phosphomannomutase 2; plus strand). Cytogenetic location: 16p13.2.
Variant type: single nucleotide variant.
Coding change: c.110A>T on transcript NM_000303.3 (MANE Select); coding-DNA position 110, A replaced by T.
Protein change: p.Gln37Leu; replaces glutamine 37 with leucine.
Molecular consequence: missense variant.
Genome position (GRCh38, 1-based): chr16:8,801,842, A>T. VCF-style: chr16-8801842-A-T. GRCh37 (hg19) VCF-style: chr16-8895699-A-T.
Other names: short protein forms Q37L.
Identifiers: ClinVar variation 321215 (VCV000321215.17), dbSNP rs2304472, ClinGen allele CA7893891.
Genomic context (GRCh38, chr16:8,801,842, plus strand): 5'-TCTTTCTTGAAATTTAGAAAATTACCAAAGAAATGGATGACTTCCTACAAAAATTGAGGC[A>T]GAAGATCAAAATCGGAGTGGTAGGCGGATCGGACTTTGAGAAAGTGCAGGAGCAACTGGG-3'
Protein context (NP_000294.1, residues 27-47): EMDDFLQKLR[Gln37Leu]KIKIGVVGGS

ClinVar aggregate classification (germline): Benign/Likely benign. Review status: criteria provided, multiple submitters, no conflicts (2 of 4 stars). 5 submissions from 5 submitters: Benign (2); Likely benign (2). 1 of the submissions does not count toward it. Last evaluated 2026-02-02.

Conditions:
PMM2-congenital disorder of glycosylation. Also called: CDG Ia; JAEKEN SYNDROME; PHOSPHOMANNOMUTASE 2 DEFICIENCY; Congenital disorder of glycosylation, type Ia; CARBOHYDRATE-DEFICIENT GLYCOPROTEIN SYNDROME, TYPE Ia; PMM2-CDG. Identifiers: Orphanet 79318, MedGen C0349653, MONDO:0008907, OMIM 212065.

Allele frequency attached by ClinVar (database versions not stated): gnomAD 0.00035 and 0.00062; gnomAD exomes 0.00054 and 0.00113; TOPMed 0.00056; ExAC 0.00137; 1000 Genomes Project 0.00379; 1000 Genomes Project 30x 0.00468.
gnomAD v4.1: 886 of 1,612,446 alleles (0.055%); highest among the groups gnomAD compares: East Asian, 1.8%; 16 homozygotes.

Submissions (5):

Labcorp Genetics (formerly Invitae), Labcorp
Classification: Benign for PMM2-congenital disorder of glycosylation. Last evaluated: 2026-02-02. Review status: criteria provided, single submitter. Criteria: Invitae Variant Classification Sherloc (09022015). Collection method: clinical testing. Allele origin: germline.

Mayo Clinic Laboratories, Mayo Clinic
Classification: Likely benign. Last evaluated: 2024-11-18. Review status: criteria provided, single submitter. Criteria: ACMG Guidelines, 2015. Collection method: clinical testing. Allele origin: germline. Observed: 1 variant allele.
Comment: BS1

GeneDx
Classification: Benign. Last evaluated: 2018-01-31. Review status: criteria provided, single submitter. Criteria: GeneDx Variant Classification (06012015). Collection method: clinical testing. Allele origin: germline. Affected: yes.
Comment: This variant is considered likely benign or benign based on one or more of the following criteria: it is a conservative change, it occurs at a poorly conserved position in the protein, it is predicted to be benign by multiple in silico algorithms, and/or has population frequency not consistent with disease.

Illumina Laboratory Services, Illumina
Classification: Likely benign for PMM2-congenital disorder of glycosylation. Last evaluated: 2018-01-12. Review status: criteria provided, single submitter. Criteria: ICSL Variant Classification Criteria 13 December 2019. Collection method: clinical testing. Allele origin: germline.
Comment: This variant was observed in the ICSL laboratory as part of a predisposition screen in an ostensibly healthy population. It had not been previously curated by ICSL or reported in the Human Gene Mutation Database (HGMD: prior to June 1st, 2018), and was therefore a candidate for classification through an automated scoring system. Utilizing variant allele frequency, disease prevalence and penetrance estimates, and inheritance mode, an automated score was calculated to assess if this variant is too frequent to cause the disease. Based on the score and internal cut-off values, a variant classified as likely benign is not then subjected to further curation. The score for this variant resulted in a classification of likely benign for this disease.

Natera, Inc.
Classification: Benign for Congenital disorder of glycosylation type 1a. Last evaluated: 2020-09-16. Review status: no assertion criteria provided. Collection method: clinical testing. Allele origin: germline. Not counted in ClinVar's aggregate classification.